The following is an entry in ClinVar:

NM_001918.5(DBT):c.1281+1G>C

Gene: DBT (dihydrolipoamide branched chain transacylase E2; minus strand). Cytogenetic location: 1p21.2.
Variant type: single nucleotide variant.
Coding change: c.1281+1G>C on transcript NM_001918.5 (MANE Select); the canonical splice donor site of the intron after coding-DNA position 1281, G replaced by C.
Molecular consequence: splice donor variant.
Genome position (GRCh38, 1-based): chr1:100,206,229, C>G on the plus strand (G>C on the coding strand, the complement: DBT is on the minus strand). VCF-style: chr1-100206229-C-G. GRCh37 (hg19) VCF-style: chr1-100671785-C-G.
Other names: c.738+1G>C (NM_001399972.1, NM_001399969.1).
Identifiers: ClinVar variation 1067714 (VCV001067714.9), dbSNP rs1557943881, ClinGen allele CA341329702.

ClinVar aggregate classification (germline): Likely pathogenic (1 of 4 stars; one submission).

Conditions:
Maple syrup urine disease (MSUD). Identifiers: Orphanet 511, MedGen C0024776, MeSH D008375, MONDO:0009563. Disease mechanism: loss of function.

Submission:

Labcorp Genetics (formerly Invitae), Labcorp
Classification: Likely pathogenic for Maple syrup urine disease. Last evaluated: 2020-08-02. Review status: criteria provided, single submitter. Criteria: Invitae Variant Classification Sherloc (09022015). Collection method: clinical testing. Allele origin: germline.
Comment: In summary, the currently available evidence indicates that the variant is pathogenic, but additional data are needed to prove that conclusively. Therefore, this variant has been classified as Likely Pathogenic. This variant disrupts the p.Met477 amino acid residue in DBT. Other variant(s) that disrupt this residue have been determined to be pathogenic (PMID: 20307994, Invitae). This suggests that this residue is clinically significant, and that variants that disrupt this residue are likely to be disease-causing. Nucleotide substitutions within the consensus splice site are a relatively common cause of aberrant splicing (PMID: 17576681, 9536098). Algorithms developed to predict the effect of sequence changes on RNA splicing suggest that this variant may disrupt the consensus splice site, but this prediction has not been confirmed by published transcriptional studies. Disruption of this splice site has been observed in individual(s) with maple syrup urine disease (Invitae). This variant is not present in population databases (ExAC no frequency). This sequence change affects a donor splice site in the last intron (intron 10) of the DBT gene. While this is not anticipated to result in nonsense mediated decay, it likely alters RNA splicing and results in a disrupted protein product.

Literature cited by the submitters: PubMed 20307994; PubMed 17576681; PubMed 9536098.